The following is an entry in ClinVar:

ClinVar aggregate classification (germline): Uncertain significance (1 of 4 stars; one submission).

Allele frequency attached by ClinVar (database versions not stated): gnomAD exomes below 0.00001.
gnomAD v4.1: 1 of 1,547,126 alleles (0.000065%); highest among the groups gnomAD compares: Non-Finnish European, 0.000086%; no homozygotes.

Submission:

Ambry Genetics
Classification: Uncertain significance. Last evaluated: 2022-04-19. Review status: criteria provided, single submitter. Criteria: Ambry Variant Classification Scheme 2023. Collection method: clinical testing. Allele origin: germline.
Comment: The p.S435P variant (also known as c.1303T>C), located in coding exon 13 of the RASA2 gene, results from a T to C substitution at nucleotide position 1303. The serine at codon 435 is replaced by proline, an amino acid with similar properties. This amino acid position is conserved. In addition, this alteration is predicted to be tolerated by in silico analysis. Since supporting evidence is limited at this time, the clinical significance of this alteration remains unclear.

NM_006506.5(RASA2):c.1303T>C (p.Ser435Pro)

Gene: RASA2 (RAS p21 protein activator 2; plus strand). Cytogenetic location: 3q23.
Variant type: single nucleotide variant.
Coding change: c.1303T>C on transcript NM_006506.5 (MANE Select); coding-DNA position 1303, T replaced by C.
Protein change: p.Ser435Pro; replaces serine 435 with proline.
Molecular consequence: missense variant.
Genome position (GRCh38, 1-based): chr3:141,573,165, T>C. VCF-style: chr3-141573165-T-C. GRCh37 (hg19) VCF-style: chr3-141292007-T-C.
Other names: c.1303T>C, p.Ser435Pro (NM_001303245.3, NM_001303246.3); short protein forms S435P.
Identifiers: ClinVar variation 1769466 (VCV001769466.2), dbSNP rs2478723404, ClinGen allele CA354778231.
Genomic context (GRCh38, chr3:141,573,165, plus strand): 5'-CTACTTAGAAAAAAATCATTAACTGAAAAATTTATTTTTCAGATATGTGACTCCTCAAAA[T>C]CCTGTGAAATCGATCCTATTAAATTGAAAGAGGGAGATAATGTAGAAAATAATAAGGTAA-3'
Protein context (NP_006497.2, residues 425-445): ILDEICDSSK[Ser435Pro]CEIDPIKLKE